The following is an entry in ClinVar:

ClinVar aggregate classification (germline): Uncertain significance. Review status: criteria provided, multiple submitters, no conflicts (2 of 4 stars). 8 submissions from 7 submitters: Uncertain significance (7). 1 of the submissions does not count toward it. Last evaluated 2026-01-05.

Conditions:
Autosomal recessive nonsyndromic hearing loss 12. Also called: DEAFNESS, AUTOSOMAL RECESSIVE 12. Identifiers: Orphanet 90636, MedGen C1832394, MONDO:0011067, OMIM 601386.
CDH23-related disorder. Also called: CDH23-related condition; CDH23-related disorders.
Inborn genetic diseases. Identifiers: MedGen C0950123, MeSH D030342.
Retinal dystrophy. Also called: Inherited retinal dystrophy. Identifiers: Orphanet 71862, MedGen C0854723, MeSH D058499, MONDO:0019118, HP:0000556.
Usher syndrome type 1D (USH1D). Also called: USHER SYNDROME, TYPE ID. Identifiers: Orphanet 231169, Orphanet 886, MedGen C1832845, MONDO:0010984, OMIM 601067.

Allele frequency attached by ClinVar (database versions not stated): ExAC 0.00002; gnomAD exomes 0.00002; TOPMed 0.00002; gnomAD 0.00003.
gnomAD v4.1: 29 of 1,611,688 alleles (0.0018%); highest among the groups gnomAD compares: Middle Eastern, 0.12%; no homozygotes.

Submissions (8):

PreventionGenetics, part of Exact Sciences
Classification: Uncertain significance for CDH23-related condition. Last evaluated: 2026-01-05. Review status: criteria provided, single submitter. Criteria: ACMG Guidelines, 2015. Collection method: clinical testing. Allele origin: germline.
Comment: The CDH23 c.2915C>T variant is predicted to result in the amino acid substitution p.Thr972Met. To our knowledge, this variant has not been reported in the literature. This variant is reported in 0.0066% of alleles in individuals of South Asian descent in gnomAD. At this time, the clinical significance of this variant is uncertain due to the absence of conclusive functional and genetic evidence.

Blueprint Genetics
Classification: Uncertain significance. Last evaluated: 2024-11-18. Review status: criteria provided, single submitter. Criteria: ACMG Guidelines, 2015. Collection method: clinical testing. Allele origin: germline.

Labcorp Genetics (formerly Invitae), Labcorp
Classification: Uncertain significance. Last evaluated: 2024-10-25. Review status: criteria provided, single submitter. Criteria: Invitae Variant Classification Sherloc (09022015). Collection method: clinical testing. Allele origin: germline.
Comment: This sequence change replaces threonine, which is neutral and polar, with methionine, which is neutral and non-polar, at codon 972 of the CDH23 protein (p.Thr972Met). This variant is present in population databases (rs762772276, gnomAD 0.007%). This variant has not been reported in the literature in individuals affected with CDH23-related conditions. ClinVar contains an entry for this variant (Variation ID: 300419). Invitae Evidence Modeling of protein sequence and biophysical properties (such as structural, functional, and spatial information, amino acid conservation, physicochemical variation, residue mobility, and thermodynamic stability) has been performed for this missense variant. However, the output from this modeling did not meet the statistical confidence thresholds required to predict the impact of this variant on CDH23 protein function. In summary, the available evidence is currently insufficient to determine the role of this variant in disease. Therefore, it has been classified as a Variant of Uncertain Significance.

Ambry Genetics
Classification: Uncertain significance for Inborn genetic diseases. Last evaluated: 2024-08-01. Review status: criteria provided, single submitter. Criteria: Ambry Variant Classification Scheme 2023. Collection method: clinical testing. Allele origin: germline.

Genomic Research Center, Shahid Beheshti University of Medical Sciences
Classification: Uncertain significance. Last evaluated: 2019-01-01. Review status: criteria provided, single submitter. Criteria: ACMG Guidelines, 2015. Collection method: clinical testing. Allele origin: unknown. Affected: no. Observed: 1 variant allele.

Illumina Laboratory Services, Illumina
Classification: Uncertain significance for Autosomal recessive nonsyndromic hearing loss 12. Last evaluated: 2018-01-13. Review status: criteria provided, single submitter. Criteria: ICSL Variant Classification Criteria 13 December 2019. Collection method: clinical testing. Allele origin: germline.

Illumina Laboratory Services, Illumina
Classification: Uncertain significance for Usher syndrome type 1D. Last evaluated: 2018-01-13. Review status: criteria provided, single submitter. Criteria: ICSL Variant Classification Criteria 13 December 2019. Collection method: clinical testing. Allele origin: germline.

Institute of Human Genetics, Univ. Regensburg, Univ. Regensburg
Classification: Uncertain significance for Retinal dystrophy. Last evaluated: 2022-01-01. Review status: no assertion criteria provided. Criteria: ACMG Guidelines, 2015. Collection method: clinical testing. Allele origin: germline. Affected: yes. Not counted in ClinVar's aggregate classification.

NM_022124.6(CDH23):c.2915C>T (p.Thr972Met)

Gene: CDH23 (cadherin related 23; plus strand). Cytogenetic location: 10q22.1.
Variant type: single nucleotide variant.
Coding change: c.2915C>T on transcript NM_022124.6 (MANE Select); coding-DNA position 2915, C replaced by T.
Protein change: p.Thr972Met; replaces threonine 972 with methionine.
Molecular consequence: missense variant.
Genome position (GRCh38, 1-based): chr10:71,705,092, C>T. VCF-style: chr10-71705092-C-T. GRCh37 (hg19) VCF-style: chr10-73464849-C-T.
Other names: c.2915C>T, p.Thr972Met (NM_001171930.2, NM_001171931.2); short protein forms T972M.
Identifiers: ClinVar variation 300419 (VCV000300419.16), dbSNP rs762772276, ClinGen allele CA5544373.